The following is an entry in ClinVar:

ClinVar aggregate classification (germline): Uncertain significance (1 of 4 stars; one submission).

Allele frequency attached by ClinVar (database versions not stated): gnomAD exomes below 0.00001.
gnomAD v4.1: 2 of 1,591,434 alleles (0.00013%); highest among the groups gnomAD compares: Non-Finnish European, 0.00017%; no homozygotes.

Submission:

Ambry Genetics
Classification: Uncertain significance. Last evaluated: 2023-02-15. Review status: criteria provided, single submitter. Criteria: Ambry Variant Classification Scheme 2023. Collection method: clinical testing. Allele origin: germline.
Comment: The p.P608R variant (also known as c.1823C>G), located in coding exon 17 of the PRKDC gene, results from a C to G substitution at nucleotide position 1823. The proline at codon 608 is replaced by arginine, an amino acid with dissimilar properties. This amino acid position is conserved. In addition, the in silico prediction for this alteration is inconclusive. Since supporting evidence is limited at this time, the clinical significance of this alteration remains unclear.

NM_006904.7(PRKDC):c.1823C>G (p.Pro608Arg)

Gene: PRKDC (protein kinase, DNA-activated, catalytic subunit; minus strand). Cytogenetic location: 8q11.21.
Variant type: single nucleotide variant.
Coding change: c.1823C>G on transcript NM_006904.7 (MANE Select); coding-DNA position 1823, C replaced by G.
Protein change: p.Pro608Arg; replaces proline 608 with arginine.
Molecular consequence: missense variant.
Genome position (GRCh38, 1-based): chr8:47,930,741, G>C on the plus strand (C>G on the coding strand, the complement: PRKDC is on the minus strand). VCF-style: chr8-47930741-G-C. GRCh37 (hg19) VCF-style: chr8-48843301-G-C.
Other names: c.1823C>G, p.Pro608Arg (NM_001081640.2); short protein forms P608R.
Identifiers: ClinVar variation 2452932 (VCV002452932.2), dbSNP rs2551878779, ClinGen allele CA371164768.